The following is an entry in ClinVar:

NM_001854.4(COL11A1):c.4819T>C (p.Cys1607Arg)

Gene: COL11A1 (collagen type XI alpha 1 chain; minus strand). Cytogenetic location: 1p21.1.
Variant type: single nucleotide variant.
Coding change: c.4819T>C on transcript NM_001854.4 (MANE Select); coding-DNA position 4819, T replaced by C.
Protein change: p.Cys1607Arg; replaces cysteine 1607 with arginine.
Molecular consequence: missense variant. On other transcripts: non-coding transcript variant (1).
Genome position (GRCh38, 1-based): chr1:102,886,846, A>G on the plus strand (T>C on the coding strand, the complement: COL11A1 is on the minus strand). VCF-style: chr1-102886846-A-G. GRCh37 (hg19) VCF-style: chr1-103352402-A-G.
Other names: c.4702T>C, p.Cys1568Arg (NM_001190709.2); c.4855T>C, p.Cys1619Arg (NM_080629.3); c.4471T>C, p.Cys1491Arg (NM_080630.4); short protein forms C1491R, C1568R, C1607R, C1619R.
Identifiers: ClinVar variation 1305797 (VCV001305797.2), dbSNP rs2100839621, ClinGen allele CA341211793.

ClinVar aggregate classification (germline): Uncertain significance (1 of 4 stars; one submission).

Submission:

GeneDx
Classification: Uncertain significance. Last evaluated: 2019-05-17. Review status: criteria provided, single submitter. Criteria: GeneDx Variant Classification Process June 2021. Collection method: clinical testing. Allele origin: germline. Affected: yes.
Comment: Not observed in large population cohorts (Lek et al., 2016); In silico analysis, which includes protein predictors and evolutionary conservation, supports a deleterious effect; Has not been previously published as pathogenic or benign to our knowledge